The following is an entry in ClinVar:

ClinVar aggregate classification (germline): Uncertain significance (0 of 4 stars; one submission).

Allele frequency attached by ClinVar (database versions not stated): gnomAD exomes below 0.00001; gnomAD 0.00001 and 0.00002; TOPMed 0.00002.
gnomAD v4.1: 4 of 1,613,892 alleles (0.00025%); highest among the groups gnomAD compares: African/African-American, 0.004%; no homozygotes.

Submission:

Department of Pathology and Laboratory Medicine, Sinai Health System
Classification: Uncertain significance. Review status: no assertion criteria provided. Collection method: clinical testing. Allele origin: unknown. Affected: yes. Study: The Canadian Open Genetics Repository (COGR).
Comment: The HK1 p.Ile771Val variant was not identified in the literature nor was it identified in ClinVar or LOVD 3.0. The variant was identified in dbSNP (ID: rs1422475032) but was not identified in the following control databases: the 1000 Genomes Project, the NHLBI GO Exome Sequencing Project, or the Genome Aggregation Database (March 6, 2019, v2.1.1). The p.Ile771 residue is conserved in mammals but not in more distantly related organisms however three out of four computational analyses (SIFT, AlignGVGD, BLOSUM, MutationTaster) do not suggest a high likelihood of impact to the protein; this information is not predictive enough to rule out pathogenicity. The variant occurs outside of the splicing consensus sequence and in silico or computational prediction software programs (SpliceSiteFinder, MaxEntScan, NNSPLICE, GeneSplicer) do not predict a difference in splicing. In summary, based on the above information the clinical significance of this variant cannot be determined with certainty at this time. This variant is classified as a variant of uncertain significance.

NM_000188.3(HK1):c.2407A>G (p.Ile803Val)

Gene: HK1 (hexokinase 1; plus strand). Cytogenetic location: 10q22.1.
Variant type: single nucleotide variant.
Coding change: c.2407A>G on transcript NM_000188.3 (MANE Select); coding-DNA position 2407, A replaced by G.
Protein change: p.Ile803Val; replaces isoleucine 803 with valine.
Molecular consequence: missense variant.
Genome position (GRCh38, 1-based): chr10:69,398,626, A>G. VCF-style: chr10-69398626-A-G. GRCh37 (hg19) VCF-style: chr10-71158382-A-G.
Other names: c.2419A>G, p.Ile807Val (NM_001322364.2, NM_001358263.1, NM_033497.3 and 1 more transcripts); c.2512A>G, p.Ile838Val (NM_001322365.2); c.2323A>G, p.Ile775Val (NM_001322366.1); c.2311A>G, p.Ile771Val (NM_001322367.1); c.2404A>G, p.Ile802Val (NM_033496.3); c.2371A>G, p.Ile791Val (NM_033500.2); short protein forms I771V, I775V, I791V, I802V, I803V, I807V, I838V.
Identifiers: ClinVar variation 1049231 (VCV001049231.1), dbSNP rs1422475032, ClinGen allele CA376916541.
Genomic context (GRCh38, chr10:69,398,626, plus strand): 5'-TCCAGCCCTCTGGCTCTTGTCCCCCACAGTGACCGATTAGCACTGCTCCAGGTCCGGGCT[A>G]TCCTCCAGCAGCTAGGTCTGAATAGCACCTGCGATGACAGTATCCTCGTCAAGACAGTGT-3'
Protein context (NP_000179.2, residues 793-813): DRLALLQVRA[Ile803Val]LQQLGLNSTC